The following is an entry in ClinVar:

ClinVar aggregate classification (germline): Benign. Review status: criteria provided, single submitter (1 of 4 stars). 2 submissions from 2 submitters: Benign (1). 1 of the submissions does not count toward it. Last evaluated 2026-01-19.

Conditions:
Atrial fibrillation, familial, 18 (ATFB18). Identifiers: MedGen C4310636, MONDO:0015001, OMIM 617280.
MYL4-related disorder. Also called: MYL4-related condition.

Allele frequency attached by ClinVar (database versions not stated): gnomAD exomes 0.00007 and 0.00026; ExAC 0.00027; ESP Exome Variant Server 0.00054; gnomAD 0.00075 and 0.00079; TOPMed 0.00075; 1000 Genomes Project 0.00120; 1000 Genomes Project 30x 0.00141.

Submissions (2):

Labcorp Genetics (formerly Invitae), Labcorp
Classification: Benign for Atrial fibrillation, familial, 18. Last evaluated: 2026-01-19. Review status: criteria provided, single submitter. Criteria: Invitae Variant Classification Sherloc (09022015). Collection method: clinical testing. Allele origin: germline.

PreventionGenetics, part of Exact Sciences
Classification: Likely benign for MYL4-related condition. Last evaluated: 2022-11-10. Review status: no assertion criteria provided. Collection method: clinical testing. Allele origin: germline. Not counted in ClinVar's aggregate classification.
Comment: This variant is classified as likely benign based on ACMG/AMP sequence variant interpretation guidelines (Richards et al. 2015 PMID: 25741868, with internal and published modifications).

NM_002476.2(MYL4):c.488-5C>T

Gene: MYL4 (myosin light chain 4; plus strand). Cytogenetic location: 17q21.32.
Variant type: single nucleotide variant.
Coding change: c.488-5C>T on transcript NM_002476.2 (MANE Select); 5 bases into the intron before coding-DNA position 488, C replaced by T.
Molecular consequence: intron variant.
Genome position (GRCh38, 1-based): chr17:47,222,375, C>T. VCF-style: chr17-47222375-C-T. GRCh37 (hg19) VCF-style: chr17-45299741-C-T.
Other names: c.488-5C>T (NM_001002841.2).
Identifiers: ClinVar variation 476207 (VCV000476207.15), dbSNP rs376118927, ClinGen allele CA8622774.
Genomic context (GRCh38, chr17:47,222,375, plus strand): 5'-GGTATTGCCAGTTCCTCCTTTGCCATCTGTAATTAAGAGCGCACCACCTCCCAAACCCAC[C>T]GCAGGAGAGAAGATGACTGAGGCTGAAGTGGAGCAGCTGTTAGCTGGGCAAGAGGATGCC-3'